The following is an entry in ClinVar:

ClinVar aggregate classification (germline): Pathogenic (1 of 4 stars; one submission).

Conditions:
Exostoses, multiple, type 2 (EXT2). Also called: EXOSTOSES, MULTIPLE, TYPE II; Hereditary Multiple Osteochondromatosis, Type II. Identifiers: Orphanet 321, MedGen C1851413, MONDO:0007586, OMIM 133701.

Submission:

Labcorp Genetics (formerly Invitae), Labcorp
Classification: Pathogenic for Exostoses, multiple, type 2. Last evaluated: 2023-08-17. Review status: criteria provided, single submitter. Criteria: Invitae Variant Classification Sherloc (09022015). Collection method: clinical testing. Allele origin: germline.
Comment: This variant is not present in population databases (gnomAD no frequency). This sequence change replaces cysteine, which is neutral and slightly polar, with arginine, which is basic and polar, at codon 318 of the EXT2 protein (p.Cys318Arg). This missense change has been observed in individual(s) with hereditary multiple osteochondromas (Invitae). It has also been observed to segregate with disease in related individuals. For these reasons, this variant has been classified as Pathogenic. Advanced modeling of protein sequence and biophysical properties (such as structural, functional, and spatial information, amino acid conservation, physicochemical variation, residue mobility, and thermodynamic stability) performed at Invitae indicates that this missense variant is expected to disrupt EXT2 protein function. ClinVar contains an entry for this variant (Variation ID: 1474718).

NM_207122.2(EXT2):c.952T>C (p.Cys318Arg)

Gene: EXT2 (exostosin glycosyltransferase 2; plus strand). Cytogenetic location: 11p11.2.
Variant type: single nucleotide variant.
Coding change: c.952T>C on transcript NM_207122.2 (MANE Select); coding-DNA position 952, T replaced by C.
Protein change: p.Cys318Arg; replaces cysteine 318 with arginine.
Molecular consequence: missense variant.
Genome position (GRCh38, 1-based): chr11:44,126,828, T>C. VCF-style: chr11-44126828-T-C. GRCh37 (hg19) VCF-style: chr11-44148378-T-C.
Other names: c.952T>C, p.Cys318Arg (NM_001389630.1, NM_001178083.3, NM_001389628.1); c.1051T>C, p.Cys351Arg (NM_000401.3); short protein forms C351R, C318R.
Identifiers: ClinVar variation 1474718 (VCV001474718.6), dbSNP rs2135020224, ClinGen allele CA380168804.